The following is an entry in ClinVar:

ClinVar aggregate classification (germline): Uncertain significance (1 of 4 stars; one submission).

Conditions:
Generalized epilepsy-paroxysmal dyskinesia syndrome (PNKD3). Also called: Generalized epilepsy and paroxysmal dyskinesia; Paroxysmal nonkinesigenic dyskinesia, 3, with or without generalized epilepsy. Identifiers: Orphanet 79137, MedGen C5574945, MONDO:0012276, OMIM 609446.

Submission:

Labcorp Genetics (formerly Invitae), Labcorp
Classification: Uncertain significance for Generalized epilepsy-paroxysmal dyskinesia syndrome. Last evaluated: 2022-10-10. Review status: criteria provided, single submitter. Criteria: Invitae Variant Classification Sherloc (09022015). Collection method: clinical testing. Allele origin: germline.
Comment: In summary, the available evidence is currently insufficient to determine the role of this variant in disease. Therefore, it has been classified as a Variant of Uncertain Significance. Advanced modeling of protein sequence and biophysical properties (such as structural, functional, and spatial information, amino acid conservation, physicochemical variation, residue mobility, and thermodynamic stability) performed at Invitae indicates that this missense variant is expected to disrupt KCNMA1 protein function. This variant has not been reported in the literature in individuals affected with KCNMA1-related conditions. This variant is not present in population databases (gnomAD no frequency). This sequence change replaces proline, which is neutral and non-polar, with arginine, which is basic and polar, at codon 448 of the KCNMA1 protein (p.Pro448Arg).

NM_001161352.2(KCNMA1):c.1343C>G (p.Pro448Arg)

Gene: KCNMA1 (potassium calcium-activated channel subfamily M alpha 1; minus strand). Cytogenetic location: 10q22.3.
Variant type: single nucleotide variant.
Coding change: c.1343C>G on transcript NM_001161352.2 (MANE Select); coding-DNA position 1343, C replaced by G.
Protein change: p.Pro448Arg; replaces proline 448 with arginine.
Molecular consequence: missense variant.
Genome position (GRCh38, 1-based): chr10:77,086,585, G>C on the plus strand (C>G on the coding strand, the complement: KCNMA1 is on the minus strand). VCF-style: chr10-77086585-G-C. GRCh37 (hg19) VCF-style: chr10-78846343-G-C.
Other names: c.1343C>G, p.Pro448Arg (NM_001014797.3, NM_001161353.2, NM_001271519.2 and 8 more transcripts); c.1181C>G, p.Pro394Arg (NM_001271518.2); c.803C>G, p.Pro268Arg (NM_001322838.2); short protein forms P268R, P394R, P448R.
Identifiers: ClinVar variation 1721408 (VCV001721408.6), dbSNP rs2550872265, ClinGen allele CA377407016.